The following is an entry in ClinVar:

ClinVar aggregate classification (germline): Uncertain significance. Review status: criteria provided, multiple submitters, no conflicts (2 of 4 stars). 4 submissions from 4 submitters: Uncertain significance (4). Last evaluated 2025-08-29.

Conditions:
Coenzyme Q10 deficiency, primary, 1. Also called: UBIQUINONE DEFICIENCY 1; COENZYME Q DEFICIENCY 1; CoQ DEFICIENCY 1. Identifiers: Orphanet 255249, MedGen C3551954, MONDO:0011829, OMIM 607426.
Multiple system atrophy 1, susceptibility to. Also called: MSA1, SUSCEPTIBILITY TO. Identifiers: MedGen C3714927, MONDO:0020715, OMIM 146500.
Inborn genetic diseases. Identifiers: MedGen C0950123, MeSH D030342.

Allele frequency attached by ClinVar (database versions not stated): gnomAD exomes 0.00002 and 0.00010; gnomAD 0.00004 and 0.00003; ExAC 0.00015; TOPMed 0.00003.
gnomAD v4.1: 150 of 1,564,598 alleles (0.0096%); highest among the groups gnomAD compares: Non-Finnish European, 0.012%; no homozygotes.

Submissions (4):

Ambry Genetics
Classification: Uncertain significance for Inborn genetic diseases. Last evaluated: 2025-08-29. Review status: criteria provided, single submitter. Criteria: Ambry Variant Classification Scheme 2023. Collection method: clinical testing. Allele origin: germline.

Labcorp Genetics (formerly Invitae), Labcorp
Classification: Uncertain significance. Last evaluated: 2025-01-20. Review status: criteria provided, single submitter. Criteria: Invitae Variant Classification Sherloc (09022015). Collection method: clinical testing. Allele origin: germline.
Comment: This sequence change replaces alanine, which is neutral and non-polar, with threonine, which is neutral and polar, at codon 32 of the COQ2 protein (p.Ala32Thr). This variant is present in population databases (rs770651250, gnomAD 0.005%). This variant has not been reported in the literature in individuals affected with COQ2-related conditions. ClinVar contains an entry for this variant (Variation ID: 1381926). An algorithm developed to predict the effect of missense changes on protein structure and function outputs the following: PolyPhen-2: "Benign". The threonine amino acid residue is found in multiple mammalian species, which suggests that this missense change does not adversely affect protein function. In summary, the available evidence is currently insufficient to determine the role of this variant in disease. Therefore, it has been classified as a Variant of Uncertain Significance.

Blueprint Genetics
Classification: Uncertain significance. Last evaluated: 2024-08-12. Review status: criteria provided, single submitter. Criteria: ACMG Guidelines, 2015. Collection method: clinical testing. Allele origin: germline.

Fulgent Genetics
Classification: Uncertain significance for Multiple system atrophy 1, susceptibility to; Coenzyme Q10 deficiency, primary, 1. Last evaluated: 2021-09-27. Review status: criteria provided, single submitter. Criteria: ACMG Guidelines, 2015. Collection method: clinical testing. Allele origin: unknown.

NM_015697.9(COQ2):c.94G>A (p.Ala32Thr)

Genes: COQ2 (coenzyme Q2, polyprenyltransferase; minus strand), LOC112997540 (Sharpr-MPRA regulatory region 13773; plus strand). Cytogenetic location: 4q21.23.
Variant type: single nucleotide variant.
Coding change: c.94G>A on transcript NM_015697.9; coding-DNA position 94, G replaced by A.
Protein change: p.Ala32Thr; replaces alanine 32 with threonine.
Molecular consequence: missense variant.
Genome position (GRCh38, 1-based): chr4:83,284,821, C>T on the plus strand (G>A on the coding strand, the complement: COQ2 is on the minus strand). VCF-style: chr4-83284821-C-T. GRCh37 (hg19) VCF-style: chr4-84205974-C-T.
Other names: short protein forms A32T.
Identifiers: ClinVar variation 1381926 (VCV001381926.9), dbSNP rs770651250, ClinGen allele CA2988714.